The following is an entry in ClinVar:

ClinVar aggregate classification (germline): Uncertain significance (1 of 4 stars; one submission).

Submission:

GeneDx
Classification: Uncertain significance. Last evaluated: 2025-07-14. Review status: criteria provided, single submitter. Criteria: GeneDx Variant Classification Process June 2021. Collection method: clinical testing. Allele origin: germline.
Comment: Nonsense variant predicted to result in protein truncation or nonsense mediated decay in a gene or region of a gene for which loss of function is not a well-established mechanism of disease; Not observed at significant frequency in large population cohorts (gnomAD); Has not been previously published as pathogenic or benign to our knowledge

NM_031418.4(ANO3):c.1765C>T (p.Gln589Ter)

Gene: ANO3 (anoctamin 3; plus strand). Cytogenetic location: 11p14.2.
Variant type: single nucleotide variant.
Coding change: c.1765C>T on transcript NM_031418.4 (MANE Select); coding-DNA position 1765, C replaced by T.
Protein change: p.Gln589Ter; replaces glutamine 589 with a stop codon.
Molecular consequence: nonsense.
Genome position (GRCh38, 1-based): chr11:26,599,643, C>T. VCF-style: chr11-26599643-C-T. GRCh37 (hg19) VCF-style: chr11-26621190-C-T.
Other names: c.1948C>T, p.Gln650Ter (NM_001313726.2); c.1327C>T, p.Gln443Ter (NM_001313727.2); short protein forms Q443*, Q589*, Q650*.
Identifiers: ClinVar variation 3384572 (VCV003384572.2).